The following is an entry in ClinVar:

NM_147129.5(ALS2CL):c.2583del (p.Thr860_Tyr861insTer)

Gene: ALS2CL (ALS2 C-terminal like; minus strand). Cytogenetic location: 3p21.31.
Variant type: Deletion.
Coding change: c.2583del on transcript NM_147129.5 (MANE Select); coding-DNA position 2583, one base deleted (C; older notation c.2583delC).
Protein change: p.Thr860_Tyr861insTer.
Molecular consequence: nonsense. On other transcripts: non-coding transcript variant (2).
Genome position (GRCh38, 1-based): chr3:46,671,985, G deleted on the plus strand (C on the coding strand, the reverse complement: ALS2CL is on the minus strand). VCF-style (leftmost placement, unchanged base first): chr3-46671984-CG-C. GRCh37 (hg19) VCF-style: chr3-46713474-CG-C.
Other names: c.2583del, p.Thr860_Tyr861insTer (NM_001190707.2).
Identifiers: ClinVar variation 402366 (VCV000402366.4), dbSNP rs761960683, ClinGen allele CA2356770.

ClinVar aggregate classification (germline): Uncertain significance (1 of 4 stars; one submission).

Allele frequency attached by ClinVar (database versions not stated): gnomAD exomes below 0.00001; ExAC 0.00001.

Submission:

Laboratory for Molecular Medicine, Mass General Brigham Personalized Medicine
Classification: Uncertain significance. Last evaluated: 2016-03-29. Review status: criteria provided, single submitter. Criteria: LMM Criteria. Collection method: clinical testing. Allele origin: germline.
Comment: Variant identified in a genome or exome case(s) and assessed due to predicted null impact of the variant or pathogenic assertions in the literature or databases. Disclaimer: This variant has not undergone full assessment. The following are preliminary notes: No evidence that LOF in the gene is disease-causing.